The following is an entry in ClinVar:

ClinVar aggregate classification (germline): Uncertain significance (1 of 4 stars; one submission).

Conditions:
Hereditary spastic paraplegia 31. Also called: SPASTIC PARAPLEGIA 31, AUTOSOMAL DOMINANT. Identifiers: Orphanet 101011, MedGen C1853247, MONDO:0012453, OMIM 610250.

Allele frequency attached by ClinVar (database versions not stated): gnomAD exomes below 0.00001.
gnomAD v4.1: 1 of 1,611,670 alleles (0.000062%); highest among the groups gnomAD compares: East Asian, 0.0022%; no homozygotes.

Submission:

Labcorp Genetics (formerly Invitae), Labcorp
Classification: Uncertain significance for Hereditary spastic paraplegia 31. Last evaluated: 2017-10-12. Review status: criteria provided, single submitter. Criteria: Invitae Variant Classification Sherloc (09022015). Collection method: clinical testing. Allele origin: germline.
Comment: This sequence change replaces leucine with proline at codon 59 of the REEP1 protein (p.Leu59Pro). The leucine residue is highly conserved and there is a moderate physicochemical difference between leucine and proline. This variant is not present in population databases (ExAC no frequency). This variant has not been reported in the literature in individuals with REEP1-related disease. Algorithms developed to predict the effect of missense changes on protein structure and function (SIFT, PolyPhen-2, Align-GVGD) all suggest that this variant is likely to be disruptive, but these predictions have not been confirmed by published functional studies and their clinical significance is uncertain. In summary, the available evidence is currently insufficient to determine the role of this variant in disease. Therefore, it has been classified as a Variant of Uncertain Significance.

NM_001371279.1(REEP1):c.176T>C (p.Leu59Pro)

Gene: REEP1 (receptor accessory protein 1; minus strand). Cytogenetic location: 2p11.2.
Variant type: single nucleotide variant.
Coding change: c.176T>C on transcript NM_001371279.1 (MANE Select); coding-DNA position 176, T replaced by C.
Protein change: p.Leu59Pro; replaces leucine 59 with proline.
Molecular consequence: missense variant.
Genome position (GRCh38, 1-based): chr2:86,263,971, A>G on the plus strand (T>C on the coding strand, the complement: REEP1 is on the minus strand). VCF-style: chr2-86263971-A-G. GRCh37 (hg19) VCF-style: chr2-86491094-A-G.
Other names: c.197T>C, p.Leu66Pro (NM_001164730.2); c.95T>C, p.Leu32Pro (NM_001164731.2); c.176T>C, p.Leu59Pro (NM_001164732.2, NM_001371280.1, NM_022912.3); short protein forms L59P, L66P, L32P.
Identifiers: ClinVar variation 534216 (VCV000534216.1), dbSNP rs1553462741, ClinGen allele CA347719901.